The following is an entry in ClinVar:

ClinVar aggregate classification (germline): Uncertain significance (1 of 4 stars; one submission).

Conditions:
Ataxia-telangiectasia syndrome (AT). Also called: Cerebello-oculocutaneous telangiectasia; Immunodeficiency with ataxia telangiectasia; Ataxia-telangiectasia, complementation group D; AT, COMPLEMENTATION GROUP C; Ataxia-telangiectasia, complementation group E; LOUIS-BAR SYNDROME. Identifiers: Orphanet 100, MedGen C0004135, MONDO:0008840, OMIM 208900.

Submission:

Labcorp Genetics (formerly Invitae), Labcorp
Classification: Uncertain significance for Ataxia-telangiectasia syndrome. Last evaluated: 2019-10-19. Review status: criteria provided, single submitter. Criteria: Invitae Variant Classification Sherloc (09022015). Collection method: clinical testing. Allele origin: germline.
Comment: This sequence change replaces alanine with serine at codon 139 of the ATM protein (p.Ala139Ser). The alanine residue is moderately conserved and there is a moderate physicochemical difference between alanine and serine. This variant is not present in population databases (ExAC no frequency). This variant has not been reported in the literature in individuals with ATM-related conditions. ClinVar contains an entry for this variant (Variation ID: 453504. Algorithms developed to predict the effect of missense changes on protein structure and function output the following: SIFT: "Tolerated"; PolyPhen-2: "Benign"; Align-GVGD: "Class C0". The serine amino acid residue is found in multiple mammalian species, suggesting that this missense change does not adversely affect protein function. These predictions have not been confirmed by published functional studies and their clinical significance is uncertain. In summary, the available evidence is currently insufficient to determine the role of this variant in disease. Therefore, it has been classified as a Variant of Uncertain Significance.

NM_000051.4(ATM):c.415G>T (p.Ala139Ser)

Gene: ATM (ATM serine/threonine kinase; plus strand). Cytogenetic location: 11q22.3.
Variant type: single nucleotide variant.
Coding change: c.415G>T on transcript NM_000051.4 (MANE Select); coding-DNA position 415, G replaced by T.
Protein change: p.Ala139Ser; replaces alanine 139 with serine.
Molecular consequence: missense variant.
Genome position (GRCh38, 1-based): chr11:108,235,753, G>T. VCF-style: chr11-108235753-G-T. GRCh37 (hg19) VCF-style: chr11-108106480-G-T.
Other names: c.415G>T, p.Ala139Ser (NM_001351834.2); short protein forms A139S.
Identifiers: ClinVar variation 453504 (VCV000453504.10), dbSNP rs1555059288, ClinGen allele CA382525068.
Genomic context (GRCh38, chr11:108,235,753, plus strand): 5'-GAACTCTTAAATTATATCATGGATACAGTGAAAGATTCATCTAATGGTGCTATTTACGGA[G>T]CTGATTGTAGCAACATACTACTCAAAGACATTCTTTCTGTGAGAAAATACTGGTGTGAAA-3'
Protein context (NP_000042.3, residues 129-149): KDSSNGAIYG[Ala139Ser]DCSNILLKDI